The following is an entry in ClinVar:

ClinVar aggregate classification (germline): Conflicting classifications of pathogenicity. Review status: criteria provided, conflicting classifications (1 of 4 stars). 5 submissions from 4 submitters: Uncertain significance (3); Likely benign (2). Last evaluated 2025-08-11.

Conditions:
Hypercholesterolemia, autosomal dominant, type B (FHCL2). Also called: Familial hypercholesterolemia 2; Familial Hypercholesterolemia Type B; APOLIPOPROTEIN B-100, FAMILIAL DEFECTIVE; APOLIPOPROTEIN B-100, FAMILIAL LIGAND-DEFECTIVE; HYPERCHOLESTEROLEMIA, FAMILIAL, DUE TO LIGAND-DEFECTIVE APOLIPOPROTEIN B; APOB-Related Familial Hypercholesterolemia, Autosomal Dominant. Identifiers: MedGen C1704417, MONDO:0007751, OMIM 144010.
Familial hypobetalipoproteinemia 1. Also called: Hypobetalipoproteinemia, normotriglyceridemic; Acanthocytosis with hypobetalipoproteinemia; APOB-Related Familial Hypobetalipoproteinemia. Identifiers: MedGen C4551990, MONDO:0014252, OMIM 615558.

Allele frequency attached by ClinVar (database versions not stated): gnomAD 0.00003; gnomAD exomes 0.00006 and 0.00011; TOPMed 0.00006; ExAC 0.00014.
gnomAD v4.1: 92 of 1,614,190 alleles (0.0057%); highest among the groups gnomAD compares: East Asian, 0.2%; no homozygotes.

Submissions (5):

Labcorp Genetics (formerly Invitae), Labcorp
Classification: Likely benign for Familial hypobetalipoproteinemia 1; Hypercholesterolemia, autosomal dominant, type B. Last evaluated: 2025-08-11. Review status: criteria provided, single submitter. Criteria: Invitae Variant Classification Sherloc (09022015). Collection method: clinical testing. Allele origin: germline.

Quest Diagnostics Nichols Institute San Juan Capistrano
Classification: Likely benign. Last evaluated: 2025-05-15. Review status: criteria provided, single submitter. Criteria: Quest Diagnostics criteria. Collection method: clinical testing. Allele origin: unknown.

GeneDx
Classification: Uncertain significance. Last evaluated: 2023-05-10. Review status: criteria provided, single submitter. Criteria: GeneDx Variant Classification Process June 2021. Collection method: clinical testing. Allele origin: germline. Affected: yes.
Comment: In silico analysis supports that this missense variant does not alter protein structure/function; Has not been previously published as pathogenic or benign to our knowledge

Illumina Laboratory Services, Illumina
Classification: Uncertain significance for Hypercholesterolemia, autosomal dominant, type B. Last evaluated: 2018-01-13. Review status: criteria provided, single submitter. Criteria: ICSL Variant Classification Criteria 13 December 2019. Collection method: clinical testing. Allele origin: germline.

Illumina Laboratory Services, Illumina
Classification: Uncertain significance for Familial hypobetalipoproteinemia 1. Last evaluated: 2018-01-13. Review status: criteria provided, single submitter. Criteria: ICSL Variant Classification Criteria 13 December 2019. Collection method: clinical testing. Allele origin: germline.

Literature cited by the submitters: PubMed 36190978 (cited by Quest Diagnostics Nichols Institute San Juan Capistrano).

NM_000384.3(APOB):c.4143C>A (p.Asp1381Glu)

Gene: APOB (apolipoprotein B; minus strand). Cytogenetic location: 2p24.1.
Variant type: single nucleotide variant.
Coding change: c.4143C>A on transcript NM_000384.3 (MANE Select); coding-DNA position 4143, C replaced by A.
Protein change: p.Asp1381Glu; replaces aspartic acid 1381 with glutamic acid.
Molecular consequence: missense variant.
Genome position (GRCh38, 1-based): chr2:21,013,233, G>T on the plus strand (C>A on the coding strand, the complement: APOB is on the minus strand). VCF-style: chr2-21013233-G-T. GRCh37 (hg19) VCF-style: chr2-21236105-G-T.
Other names: short protein forms D1381E.
Identifiers: ClinVar variation 334147 (VCV000334147.22), dbSNP rs754597311, ClinGen allele CA060569.